The following is an entry in ClinVar:

NC_000002.11:g.(?_127864416)_(127864519_?)dup

Gene: BIN1 (bridging integrator 1; minus strand). Cytogenetic location: 2q14.3.
Variant type: Duplication.
Identifiers: ClinVar variation 1412730 (VCV001412730.7).

ClinVar aggregate classification (germline): Uncertain significance (1 of 4 stars; one submission).

Conditions:
Myopathy, centronuclear, 2 (CNM2). Also called: MYOTUBULAR MYOPATHY, AUTOSOMAL RECESSIVE. Identifiers: Orphanet 169186, MedGen CN031787, MONDO:0009709, OMIM 255200.

Submission:

Labcorp Genetics (formerly Invitae), Labcorp
Classification: Uncertain significance for Myopathy, centronuclear, 2. Last evaluated: 2022-08-09. Review status: criteria provided, single submitter. Criteria: Invitae Variant Classification Sherloc (09022015). Collection method: clinical testing. Allele origin: germline.
Comment: In summary, the available evidence is currently insufficient to determine the role of this variant in disease. Therefore, it has been classified as a Variant of Uncertain Significance. Experimental studies and prediction algorithms are not available or were not evaluated, and the functional significance of this variant is currently unknown. This variant has not been reported in the literature in individuals affected with BIN1-related conditions. This variant results in a copy number gain of the genomic region encompassing exon(s) 1 of the BIN1 gene. This region includes the initiator codon of the gene. This copy number gain extends beyond the assayed region for this gene and therefore may encompass additional genes. As the precise location of this event is unknown, it may be in tandem or it may be located elsewhere in the genome.